The following is an entry in ClinVar:

NM_024675.4(PALB2):c.2798G>C (p.Cys933Ser)

Gene: PALB2 (partner and localizer of BRCA2; minus strand). Cytogenetic location: 16p12.2.
Variant type: single nucleotide variant.
Coding change: c.2798G>C on transcript NM_024675.4 (MANE Select); coding-DNA position 2798, G replaced by C.
Protein change: p.Cys933Ser; replaces cysteine 933 with serine.
Molecular consequence: missense variant.
Genome position (GRCh38, 1-based): chr16:23,624,045, C>G on the plus strand (G>C on the coding strand, the complement: PALB2 is on the minus strand). VCF-style: chr16-23624045-C-G. GRCh37 (hg19) VCF-style: chr16-23635366-C-G.
Other names: short protein forms C933S.
Identifiers: ClinVar variation 1332294 (VCV001332294.3), dbSNP rs730881891, ClinGen allele CA395145009.

ClinVar aggregate classification (germline): Uncertain significance (1 of 4 stars; one submission).

Conditions:
Hereditary cancer-predisposing syndrome. Also called: Tumor predisposition; Hereditary Cancer Syndrome; Neoplastic Syndromes, Hereditary; Hereditary neoplastic syndrome. Identifiers: Orphanet 140162, MedGen C0027672, MeSH D009386, MONDO:0015356.

Allele frequency attached by ClinVar (database versions not stated): gnomAD 0.00001.
gnomAD v4.1: 1 of 1,608,004 alleles (0.000062%); highest among the groups gnomAD compares: South Asian, 0.0011%; no homozygotes.

Submission:

Color Diagnostics, LLC DBA Color Health
Classification: Uncertain significance for Hereditary cancer-predisposing syndrome. Last evaluated: 2024-03-06. Review status: criteria provided, single submitter. Criteria: ACMG Guidelines, 2015. Collection method: clinical testing. Allele origin: germline.
Comment: This missense variant replaces cysteine with serine at codon 933 of the PALB2 protein. Computational prediction is inconclusive regarding the impact of this variant on protein structure and function (internally defined REVEL score threshold 0.5 < inconclusive < 0.7, PMID: 27666373). To our knowledge, functional studies have not been reported for this variant. This variant has not been reported in individuals affected with hereditary cancer in the literature. This variant has not been identified in the general population by the Genome Aggregation Database (gnomAD). The available evidence is insufficient to determine the role of this variant in disease conclusively. Therefore, this variant is classified as a Variant of Uncertain Significance.